The following is an entry in ClinVar:

NM_201384.3(PLEC):c.1000G>A (p.Ala334Thr)

Gene: PLEC (plectin; minus strand). Cytogenetic location: 8q24.3.
Variant type: single nucleotide variant.
Coding change: c.1000G>A on transcript NM_201384.3 (MANE Select); coding-DNA position 1000, G replaced by A.
Protein change: p.Ala334Thr; replaces alanine 334 with threonine.
Molecular consequence: missense variant.
Genome position (GRCh38, 1-based): chr8:143,934,676, C>T on the plus strand (G>A on the coding strand, the complement: PLEC is on the minus strand). VCF-style: chr8-143934676-C-T. GRCh37 (hg19) VCF-style: chr8-145008844-C-T.
Other names: c.1081G>A (NM_000445.3, NM_000445.4); c.1081G>A, p.Ala361Thr (NM_000445.5); c.958G>A, p.Ala320Thr (NM_201378.4); c.934G>A, p.Ala312Thr (NM_201379.3); c.1411G>A, p.Ala471Thr (NM_201380.4); c.904G>A, p.Ala302Thr (NM_201381.3); c.1000G>A, p.Ala334Thr (NM_201382.4); c.1012G>A, p.Ala338Thr (NM_201383.3); short protein forms A302T, A312T, A320T, A334T, A338T, A361T, A471T.
Identifiers: ClinVar variation 497310 (VCV000497310.18), dbSNP rs375047877, ClinGen allele CA4928223.

ClinVar aggregate classification (germline): Uncertain significance. Review status: criteria provided, multiple submitters, no conflicts (2 of 4 stars). 6 submissions from 6 submitters: Uncertain significance (6). Last evaluated 2026-05-21.

Conditions:
Autosomal recessive limb-girdle muscular dystrophy type 2Q (LGMDR17). Also called: MUSCULAR DYSTROPHY, LIMB-GIRDLE, AUTOSOMAL RECESSIVE 17. Identifiers: Orphanet 254361, MedGen C3150989, MONDO:0013390, OMIM 613723.
Epidermolysis bullosa simplex 5B, with muscular dystrophy (EBS5B). Also called: EPIDERMOLYSIS BULLOSA SIMPLEX AND LIMB-GIRDLE MUSCULAR DYSTROPHY; Epidermolysis bullosa simplex with muscular dystrophy. Identifiers: Orphanet 257, MedGen C2931072, MONDO:0009181, OMIM 226670.
Epidermolysis bullosa simplex, Ogna type (EBS5A). Also called: Pidermolysis bullosa simplex 5A, Ogna type; EPIDERMOLYSIS BULLOSA SIMPLEX 5A, OGNA TYPE. Identifiers: Orphanet 79401, MedGen C0432317, MONDO:0007555, OMIM 131950.
Epidermolysis bullosa simplex with nail dystrophy (EBS5D). Identifiers: MedGen C4225309, MONDO:0014661, OMIM 616487.
Epidermolysis bullosa simplex 5C, with pyloric atresia (EBS5C). Also called: PLEC-Related Epidermolysis Bullosa with Pyloric Atresia; Epidermolysis bullosa simplex with pyloric atresia; PLEC1-Related Epidermolysis Bullosa with Pyloric Atresia. Identifiers: Orphanet 158684, MedGen C2677349, MONDO:0012807, OMIM 612138.
PLEC-related disorder. Also called: PLEC-related disorders; PLEC-related condition.
Inborn genetic diseases. Identifiers: MedGen C0950123, MeSH D030342.

Allele frequency attached by ClinVar (database versions not stated): ExAC 0.00003; gnomAD exomes 0.00003; gnomAD 0.00007 and 0.00008; ESP Exome Variant Server 0.00008; TOPMed 0.00020.
gnomAD v4.1: 52 of 1,613,020 alleles (0.0032%); highest among the groups gnomAD compares: Admixed American, 0.028%; no homozygotes.

Submissions (6):

PreventionGenetics, part of Exact Sciences
Classification: Uncertain significance for PLEC-related condition. Last evaluated: 2026-05-21. Review status: criteria provided, single submitter. Criteria: ACMG Guidelines, 2015. Collection method: clinical testing. Allele origin: germline.
Comment: The PLEC c.1081G>A variant is predicted to result in the amino acid substitution p.Ala361Thr. To our knowledge, this variant has not been reported in the literature. This variant is reported in 0.0085% of alleles in individuals of Latino descent in gnomAD. At this time, the clinical significance of this variant is uncertain due to the absence of conclusive functional and genetic evidence.

Labcorp Genetics (formerly Invitae), Labcorp
Classification: Uncertain significance for Autosomal recessive limb-girdle muscular dystrophy type 2Q; Epidermolysis bullosa simplex, Ogna type; Epidermolysis bullosa simplex with nail dystrophy; Epidermolysis bullosa simplex 5C, with pyloric atresia; Epidermolysis bullosa simplex 5B, with muscular dystrophy. Last evaluated: 2026-01-22. Review status: criteria provided, single submitter. Criteria: Invitae Variant Classification Sherloc (09022015). Collection method: clinical testing. Allele origin: germline.
Comment: This sequence change replaces alanine, which is neutral and non-polar, with threonine, which is neutral and polar, at codon 361 of the PLEC protein (p.Ala361Thr). This variant is present in population databases (rs375047877, gnomAD 0.009%). This variant has not been reported in the literature in individuals affected with PLEC-related conditions. ClinVar contains an entry for this variant (Variation ID: 497310). Invitae Evidence Modeling of protein sequence and biophysical properties (such as structural, functional, and spatial information, amino acid conservation, physicochemical variation, residue mobility, and thermodynamic stability) indicates that this missense variant is not expected to disrupt PLEC protein function with a negative predictive value of 80%. In summary, the available evidence is currently insufficient to determine the role of this variant in disease. Therefore, it has been classified as a Variant of Uncertain Significance.

Ambry Genetics
Classification: Uncertain significance for Inborn genetic diseases. Last evaluated: 2022-12-02. Review status: criteria provided, single submitter. Criteria: Ambry Variant Classification Scheme 2023. Collection method: clinical testing. Allele origin: germline.

Blueprint Genetics
Classification: Uncertain significance. Last evaluated: 2022-05-26. Review status: criteria provided, single submitter. Criteria: ACMG Guidelines, 2015. Collection method: clinical testing. Allele origin: germline.

Revvity Omics, Revvity
Classification: Uncertain significance. Last evaluated: 2019-06-28. Review status: criteria provided, single submitter. Criteria: ACMG Guidelines, 2015. Collection method: clinical testing. Allele origin: germline.

Eurofins Ntd Llc (ga)
Classification: Uncertain significance. Last evaluated: 2017-02-28. Review status: criteria provided, single submitter. Criteria: EGL Classification Definitions 2015. Collection method: clinical testing. Allele origin: germline. Observed: 3 variant alleles, 3 heterozygotes.